The following is an entry in ClinVar:

ClinVar aggregate classification (germline): Uncertain significance (1 of 4 stars; one submission).

Conditions:
Rhabdoid tumor predisposition syndrome 2 (RTPS2). Identifiers: Orphanet 231108, Orphanet 69077, MedGen C2750074, MONDO:0013224, OMIM 613325.

Allele frequency attached by ClinVar (database versions not stated): gnomAD exomes below 0.00001.
gnomAD v4.1: 2 of 1,611,364 alleles (0.00012%); highest among the groups gnomAD compares: Non-Finnish European, 0.00017%; no homozygotes.

Submission:

Labcorp Genetics (formerly Invitae), Labcorp
Classification: Uncertain significance for Rhabdoid tumor predisposition syndrome 2. Last evaluated: 2023-09-21. Review status: criteria provided, single submitter. Criteria: Invitae Variant Classification Sherloc (09022015). Collection method: clinical testing. Allele origin: germline.
Comment: In summary, the available evidence is currently insufficient to determine the role of this variant in disease. Therefore, it has been classified as a Variant of Uncertain Significance. Advanced modeling of protein sequence and biophysical properties (such as structural, functional, and spatial information, amino acid conservation, physicochemical variation, residue mobility, and thermodynamic stability) has been performed at Invitae for this missense variant, however the output from this modeling did not meet the statistical confidence thresholds required to predict the impact of this variant on SMARCA4 protein function. This variant has not been reported in the literature in individuals affected with SMARCA4-related conditions. This variant is not present in population databases (gnomAD no frequency). This sequence change replaces phenylalanine, which is neutral and non-polar, with valine, which is neutral and non-polar, at codon 1539 of the SMARCA4 protein (p.Phe1539Val).

NM_003072.5(SMARCA4):c.4519T>G (p.Phe1507Val)

Gene: SMARCA4 (SWI/SNF related BAF chromatin remodeling complex subunit ATPase 4; plus strand). Cytogenetic location: 19p13.2.
Variant type: single nucleotide variant.
Coding change: c.4519T>G on transcript NM_003072.5 (MANE Select); coding-DNA position 4519, T replaced by G.
Protein change: p.Phe1507Val; replaces phenylalanine 1507 with valine.
Molecular consequence: missense variant. On other transcripts: non-coding transcript variant (1).
Genome position (GRCh38, 1-based): chr19:11,058,349, T>G. VCF-style: chr19-11058349-T-G. GRCh37 (hg19) VCF-style: chr19-11169025-T-G.
Other names: c.4519T>G, p.Phe1507Val (NM_001128844.3); c.4429T>G, p.Phe1477Val (NM_001128845.2); c.4426T>G, p.Phe1476Val (NM_001128846.2); c.4420T>G, p.Phe1474Val (NM_001128847.4, NM_001374457.1); c.4417T>G, p.Phe1473Val (NM_001128848.2); c.4615T>G, p.Phe1539Val (NM_001128849.3, NM_001387283.1); c.4516T>G, p.Phe1506Val (NM_001411150.1); short protein forms F1477V, F1539V, F1474V, F1476V, F1506V, F1507V, F1473V.
Identifiers: ClinVar variation 2919959 (VCV002919959.3), dbSNP rs2147088317, ClinGen allele CA404077924.